The following is an entry in ClinVar:

ClinVar aggregate classification (germline): Uncertain significance (1 of 4 stars; one submission).

Allele frequency attached by ClinVar (database versions not stated): gnomAD exomes below 0.00001.

Submission:

Ambry Genetics
Classification: Uncertain significance. Last evaluated: 2022-10-03. Review status: criteria provided, single submitter. Criteria: Ambry Variant Classification Scheme 2023. Collection method: clinical testing. Allele origin: germline.
Comment: The p.G928A variant (also known as c.2783G>C), located in coding exon 4 of the ALPK2 gene, results from a G to C substitution at nucleotide position 2783. The glycine at codon 928 is replaced by alanine, an amino acid with similar properties. This amino acid position is conserved. In addition, this alteration is predicted to be tolerated by in silico analysis. Since supporting evidence is limited at this time, the clinical significance of this alteration remains unclear.

NM_052947.4(ALPK2):c.2783G>C (p.Gly928Ala)

Gene: ALPK2 (alpha kinase 2; minus strand). Cytogenetic location: 18q21.31.
Variant type: single nucleotide variant.
Coding change: c.2783G>C on transcript NM_052947.4 (MANE Select); coding-DNA position 2783, G replaced by C.
Protein change: p.Gly928Ala; replaces glycine 928 with alanine.
Molecular consequence: missense variant.
Genome position (GRCh38, 1-based): chr18:58,537,404, C>G on the plus strand (G>C on the coding strand, the complement: ALPK2 is on the minus strand). VCF-style: chr18-58537404-C-G. GRCh37 (hg19) VCF-style: chr18-56204636-C-G.
Other names: short protein forms G928A.
Identifiers: ClinVar variation 1795964 (VCV001795964.2), dbSNP rs1010188528, ClinGen allele CA402569792.
Genomic context (GRCh38, chr18:58,537,404, plus strand): 5'-GAAGAAAGGAGCTGTGTTTCATCAAGCCCTCCTGAGTTGCTGGGGCTTGGCTGCTCCTGG[C>G]CAGCATGTACTGTGGAGGCCAGTGGGTAGGTGGAATTCTCCACCTTGGCTAGATTTTCTC-3'
Protein context (NP_443179.3, residues 918-938): TYPLASTVHA[Gly928Ala]QEQPSPSNSG